The following is an entry in ClinVar:

ClinVar aggregate classification (germline): Uncertain significance. Review status: criteria provided, multiple submitters, no conflicts (2 of 4 stars). 2 submissions from 2 submitters: Uncertain significance (2). Last evaluated 2025-12-03.

Conditions:
Congenital myotonia, autosomal recessive form. Also called: Becker Generalized Myotonia; BECKER DISEASE; myotonia congenita, autosomal recessive. Identifiers: Orphanet 614, MedGen C0751360, MONDO:0009715, OMIM 255700.
Congenital myotonia, autosomal dominant form (THD). Also called: THOMSEN DISEASE; Myotonia congenita autosomal dominant. Identifiers: Orphanet 614, MedGen C2936781, MONDO:0008055, OMIM 160800.

Allele frequency attached by ClinVar (database versions not stated): gnomAD 0.00001; gnomAD exomes 0.00001; ExAC 0.00002.

Submissions (2):

Labcorp Genetics (formerly Invitae), Labcorp
Classification: Uncertain significance for Congenital myotonia, autosomal recessive form; Congenital myotonia, autosomal dominant form. Last evaluated: 2025-12-03. Review status: criteria provided, single submitter. Criteria: Invitae Variant Classification Sherloc (09022015). Collection method: clinical testing. Allele origin: germline.
Comment: This sequence change replaces serine, which is neutral and polar, with leucine, which is neutral and non-polar, at codon 70 of the CLCN1 protein (p.Ser70Leu). This variant is present in population databases (rs769312894, gnomAD 0.002%). This missense change has been observed in individual(s) with autosomal recessive myotonia congenita (PMID: 26502825, 34529042). In at least one individual the data is consistent with being in trans (on the opposite chromosome) from a pathogenic variant. ClinVar contains an entry for this variant (Variation ID: 1438873). Invitae Evidence Modeling of protein sequence and biophysical properties (such as structural, functional, and spatial information, amino acid conservation, physicochemical variation, residue mobility, and thermodynamic stability) indicates that this missense variant is not expected to disrupt CLCN1 protein function with a negative predictive value of 95%. Experimental studies have shown that this missense change does not substantially affect CLCN1 function (PMID: 34529042). Algorithms developed to predict the effect of sequence changes on RNA splicing suggest that this variant may disrupt the consensus splice site. In summary, the available evidence is currently insufficient to determine the role of this variant in disease. Therefore, it has been classified as a Variant of Uncertain Significance.

Athena Diagnostics
Classification: Uncertain significance. Last evaluated: 2024-10-24. Review status: criteria provided, single submitter. Criteria: Athena Diagnostics Criteria. Collection method: clinical testing. Allele origin: unknown.
Comment: Available data are insufficient to determine the clinical significance of the variant at this time. The frequency of this variant in the general population is uninformative in assessment of its pathogenicity. This variant has been identified in at least one individual with clinical features associated with this gene. Assessment of experimental evidence regarding the effect of this variant on protein function is inconclusive. (PMID: 34529042, 34529042)

Literature cited by the submitters: PubMed 26502825 (cited by Labcorp Genetics (formerly Invitae), Labcorp and Athena Diagnostics); PubMed 34529042 (cited by Labcorp Genetics (formerly Invitae), Labcorp and Athena Diagnostics).

NM_000083.3(CLCN1):c.209C>T (p.Ser70Leu)

Gene: CLCN1 (chloride voltage-gated channel 1; plus strand). Cytogenetic location: 7q34.
Variant type: single nucleotide variant.
Coding change: c.209C>T on transcript NM_000083.3 (MANE Select); coding-DNA position 209, C replaced by T.
Protein change: p.Ser70Leu; replaces serine 70 with leucine.
Molecular consequence: missense variant. On other transcripts: non-coding transcript variant (1).
Genome position (GRCh38, 1-based): chr7:143,319,783, C>T. VCF-style: chr7-143319783-C-T. GRCh37 (hg19) VCF-style: chr7-143016876-C-T.
Other names: c.209C>T (NM_000083.2); short protein forms S70L.
Identifiers: ClinVar variation 1438873 (VCV001438873.9), dbSNP rs769312894, ClinGen allele CA4536872.
Genomic context (GRCh38, chr7:143,319,783, plus strand): 5'-AGGCAGACACTGATCATTCTCTCTCTGTCCAGATTTATGGCCATCACAAAGAACAATTCT[C>T]AGACAGGGAGCAGGACATAGGGATGCCCAAGAAGACAGGCTCCAGTTCTACCGTGGACAG-3'
Protein context (NP_000074.3, residues 60-80): QIYGHHKEQF[Ser70Leu]DREQDIGMPK